The following is an entry in ClinVar:

ClinVar aggregate classification (germline): Likely pathogenic (1 of 4 stars; one submission).

Conditions:
Retinitis pigmentosa 12 (RP12). Also called: RP WITH OR WITHOUT PRESERVED PARAARTERIOLE RETINAL PIGMENT EPITHELIUM; RETINITIS PIGMENTOSA WITH OR WITHOUT PARAARTERIOLAR PRESERVATION OF RETINAL PIGMENT EPITHELIUM; RP WITH OR WITHOUT PPRPE. Identifiers: Orphanet 791, MedGen C1838647, MONDO:0010818, OMIM 600105.
Leber congenital amaurosis 8 (LCA8). Identifiers: Orphanet 65, MedGen C3151202, MONDO:0013453, OMIM 613835.

Allele frequency attached by ClinVar (database versions not stated): gnomAD exomes below 0.00001; ExAC 0.00001.
gnomAD v4.1: 1 of 1,614,214 alleles (0.000062%); highest among the groups gnomAD compares: Non-Finnish European, 0.000085%; no homozygotes.

Submission:

Labcorp Genetics (formerly Invitae), Labcorp
Classification: Likely pathogenic for Leber congenital amaurosis 8; Retinitis pigmentosa 12. Last evaluated: 2022-06-24. Review status: criteria provided, single submitter. Criteria: Invitae Variant Classification Sherloc (09022015). Collection method: clinical testing. Allele origin: germline.
Comment: In summary, the currently available evidence indicates that the variant is pathogenic, but additional data are needed to prove that conclusively. Therefore, this variant has been classified as Likely Pathogenic. This variant disrupts the p.Gly685 amino acid residue in CRB1. Other variant(s) that disrupt this residue have been determined to be pathogenic (PMID: 30902645; Invitae). This suggests that this residue is clinically significant, and that variants that disrupt this residue are likely to be disease-causing. Advanced modeling of protein sequence and biophysical properties (such as structural, functional, and spatial information, amino acid conservation, physicochemical variation, residue mobility, and thermodynamic stability) performed at Invitae indicates that this missense variant is expected to disrupt CRB1 protein function. This missense change has been observed in individual(s) with retinitis pigmentosa (Invitae). This variant is present in population databases (rs779069205, gnomAD 0.0009%). This sequence change replaces glycine, which is neutral and non-polar, with arginine, which is basic and polar, at codon 685 of the CRB1 protein (p.Gly685Arg).

Literature cited by the submitters: PubMed 30902645.

NM_201253.3(CRB1):c.2053G>A (p.Gly685Arg)

Gene: CRB1 (crumbs cell polarity complex component 1; plus strand). Cytogenetic location: 1q31.3.
Variant type: single nucleotide variant.
Coding change: c.2053G>A on transcript NM_201253.3 (MANE Select); coding-DNA position 2053, G replaced by A.
Protein change: p.Gly685Arg; replaces glycine 685 with arginine.
Molecular consequence: missense variant. On other transcripts: non-coding transcript variant (2).
Genome position (GRCh38, 1-based): chr1:197,421,881, G>A. VCF-style: chr1-197421881-G-A. GRCh37 (hg19) VCF-style: chr1-197391011-G-A.
Other names: c.1717G>A, p.Gly573Arg (NM_001193640.2); c.1846G>A, p.Gly616Arg (NM_001257965.2); c.2053G>A, p.Gly685Arg (NM_001257966.2); short protein forms G616R, G573R, G685R.
Identifiers: ClinVar variation 1524347 (VCV001524347.6), dbSNP rs779069205, ClinGen allele CA1312028.